The following is an entry in ClinVar:

ClinVar aggregate classification (germline): Uncertain significance (1 of 4 stars; one submission).

gnomAD v4.1: 18 of 1,613,344 alleles (0.0011%); highest among the groups gnomAD compares: East Asian, 0.018%; no homozygotes.

Submission:

Labcorp Genetics (formerly Invitae), Labcorp
Classification: Uncertain significance. Last evaluated: 2025-02-19. Review status: criteria provided, single submitter. Criteria: Invitae Variant Classification Sherloc (09022015). Collection method: clinical testing. Allele origin: germline.
Comment: This sequence change replaces threonine, which is neutral and polar, with methionine, which is neutral and non-polar, at codon 996 of the ROBO1 protein (p.Thr996Met). This variant is present in population databases (rs750599179, gnomAD 0.01%). This variant has not been reported in the literature in individuals affected with ROBO1-related conditions. Invitae Evidence Modeling of protein sequence and biophysical properties (such as structural, functional, and spatial information, amino acid conservation, physicochemical variation, residue mobility, and thermodynamic stability) indicates that this missense variant is not expected to disrupt ROBO1 protein function with a negative predictive value of 95%. In summary, the available evidence is currently insufficient to determine the role of this variant in disease. Therefore, it has been classified as a Variant of Uncertain Significance.

NM_002941.4(ROBO1):c.2987C>T (p.Thr996Met)

Gene: ROBO1 (roundabout guidance receptor 1; minus strand). Cytogenetic location: 3p12.3.
Variant type: single nucleotide variant.
Coding change: c.2987C>T on transcript NM_002941.4 (MANE Select); coding-DNA position 2987, C replaced by T.
Protein change: p.Thr996Met; replaces threonine 996 with methionine.
Molecular consequence: missense variant.
Genome position (GRCh38, 1-based): chr3:78,639,794, G>A on the plus strand (C>T on the coding strand, the complement: ROBO1 is on the minus strand). VCF-style: chr3-78639794-G-A. GRCh37 (hg19) VCF-style: chr3-78688944-G-A.
Other names: c.2852C>T, p.Thr951Met (NM_001145845.2, NM_133631.4); short protein forms T996M, T951M.
Identifiers: ClinVar variation 4738394 (VCV004738394.1).